The following is an entry in ClinVar:

ClinVar aggregate classification (germline): Likely benign. Review status: criteria provided, multiple submitters, no conflicts (2 of 4 stars). 3 submissions from 3 submitters: Likely benign (3). Last evaluated 2025-02-01.

Allele frequency attached by ClinVar (database versions not stated): gnomAD 0.00001.
gnomAD v4.1: 7 of 1,613,706 alleles (0.00043%); highest among the groups gnomAD compares: African/African-American, 0.0067%; no homozygotes.

Submissions (3):

CeGaT Center for Human Genetics Tuebingen
Classification: Likely benign. Last evaluated: 2025-02-01. Review status: criteria provided, single submitter. Criteria: CeGaT Center For Human Genetics Tuebingen Variant Classification Criteria Version 2. Collection method: clinical testing. Allele origin: germline. Affected: yes. Observed: 1 variant allele.
Comment: TMC1: BP4, BP7

Labcorp Genetics (formerly Invitae), Labcorp
Classification: Likely benign. Last evaluated: 2024-02-19. Review status: criteria provided, single submitter. Criteria: Invitae Variant Classification Sherloc (09022015). Collection method: clinical testing. Allele origin: germline.

Blueprint Genetics
Classification: Likely benign. Last evaluated: 2022-07-26. Review status: criteria provided, single submitter. Criteria: ACMG Guidelines, 2015. Collection method: clinical testing. Allele origin: germline.

NM_138691.3(TMC1):c.1276T>C (p.Leu426=)

Gene: TMC1 (transmembrane channel like 1; plus strand). Cytogenetic location: 9q21.13.
Variant type: single nucleotide variant.
Coding change: c.1276T>C on transcript NM_138691.3 (MANE Select); coding-DNA position 1276, T replaced by C.
Protein change: p.Leu426=; no amino-acid change (leucine 426 retained).
Molecular consequence: synonymous variant.
Genome position (GRCh38, 1-based): chr9:72,791,937, T>C. VCF-style: chr9-72791937-T-C. GRCh37 (hg19) VCF-style: chr9-75406853-T-C.
Identifiers: ClinVar variation 2982926 (VCV002982926.17), dbSNP rs1828275619, ClinGen allele CA465187160.